The following is an entry in ClinVar:

NM_000051.4(ATM):c.8494C>G (p.Arg2832Gly)

Genes: ATM (ATM serine/threonine kinase; plus strand), C11orf65 (chromosome 11 open reading frame 65; minus strand). Cytogenetic location: 11q22.3.
Variant type: single nucleotide variant.
Coding change: c.8494C>G on transcript NM_000051.4 (MANE Select); coding-DNA position 8494, C replaced by G.
Protein change: p.Arg2832Gly; replaces arginine 2832 with glycine.
Molecular consequence: missense variant. On other transcripts: intron variant (2).
Genome position (GRCh38, 1-based): chr11:108,345,818, C>G. VCF-style: chr11-108345818-C-G. GRCh37 (hg19) VCF-style: chr11-108216545-C-G.
Other names: c.8494C>G, p.Arg2832Gly (NM_001351834.2); c.641-36747G>C (NM_001330368.2); c.695-10526G>C (NM_001351110.2); short protein forms R2832G.
Identifiers: ClinVar variation 1024681 (VCV001024681.9), dbSNP rs587779872, ClinGen allele CA382518103.
Genomic context (GRCh38, chr11:108,345,818, plus strand): 5'-TCTTTTGAAGAGAAATATGAAGTCTTCATGGATGTTTGCCAAAATTTTCAACCAGTTTTC[C>G]GTTACTTCTGCATGGAAAAATTCTTGGATCCAGCTATTTGGTTTGAGAAGCGATTGGCTT-3'
Protein context (NP_000042.3, residues 2822-2842): DVCQNFQPVF[Arg2832Gly]YFCMEKFLDP

ClinVar aggregate classification (germline): Uncertain significance (1 of 4 stars; one submission).

Conditions:
Ataxia-telangiectasia syndrome (AT). Also called: Ataxia telangiectasia (A-T); ATAXIA-TELANGIECTASIA, COMPLEMENTATION GROUP A; ATAXIA-TELANGIECTASIA, FRESNO VARIANT; Ataxia-telangiectasia; Ataxia-telangiectasia, complementation group E; LOUIS-BAR SYNDROME. Identifiers: Orphanet 100, MedGen C0004135, MONDO:0008840, OMIM 208900.

Submission:

Labcorp Genetics (formerly Invitae), Labcorp
Classification: Uncertain significance for Ataxia-telangiectasia syndrome. Last evaluated: 2021-12-29. Review status: criteria provided, single submitter. Criteria: Invitae Variant Classification Sherloc (09022015). Collection method: clinical testing. Allele origin: germline.
Comment: This variant has not been reported in the literature in individuals affected with ATM-related conditions. This variant is not present in population databases (gnomAD no frequency). ClinVar contains an entry for this variant (Variation ID: 1024681). Advanced modeling of protein sequence and biophysical properties (such as structural, functional, and spatial information, amino acid conservation, physicochemical variation, residue mobility, and thermodynamic stability) performed at Invitae indicates that this missense variant is expected to disrupt ATM protein function. This variant disrupts the p.Arg2832 amino acid residue in ATM. Other variant(s) that disrupt this residue have been determined to be pathogenic (PMID: 9443866, 10873394, 18634022, 19431188, 26022348). This suggests that this residue is clinically significant, and that variants that disrupt this residue are likely to be disease-causing. In summary, the available evidence is currently insufficient to determine the role of this variant in disease. Therefore, it has been classified as a Variant of Uncertain Significance. This sequence change replaces arginine, which is basic and polar, with glycine, which is neutral and non-polar, at codon 2832 of the ATM protein (p.Arg2832Gly).

Literature cited by the submitters: PubMed 9443866; PubMed 10873394; PubMed 18634022; PubMed 19431188; PubMed 26022348.